The following is an entry in ClinVar:

ClinVar aggregate classification (germline): Benign (1 of 4 stars; one submission).

Allele frequency attached by ClinVar (database versions not stated): 1000 Genomes Project 0.00220; 1000 Genomes Project 30x 0.00297; TOPMed 0.00495; gnomAD 0.00540; ExAC 0.00624; ESP Exome Variant Server 0.00630.
gnomAD v4.1: 12,995 of 1,613,688 alleles (0.81%); highest among the groups gnomAD compares: South Asian, 1.1%; 91 homozygotes.

Submission:

CeGaT Center for Human Genetics Tuebingen
Classification: Benign. Last evaluated: 2023-11-01. Review status: criteria provided, single submitter. Criteria: CeGaT Center For Human Genetics Tuebingen Variant Classification Criteria Version 2. Collection method: clinical testing. Allele origin: germline. Affected: yes. Observed: 2 variant alleles.
Comment: PIGZ: BP4, BP7, BS1, BS2

NM_025163.4(PIGZ):c.1404C>T (p.Pro468=)

Gene: PIGZ (phosphatidylinositol glycan anchor biosynthesis class Z (Gwada blood group); minus strand). Cytogenetic location: 3q29.
Variant type: single nucleotide variant.
Coding change: c.1404C>T on transcript NM_025163.4 (MANE Select); coding-DNA position 1404, C replaced by T.
Protein change: p.Pro468=; no amino-acid change (proline 468 retained).
Molecular consequence: synonymous variant.
Genome position (GRCh38, 1-based): chr3:196,947,493, G>A on the plus strand (C>T on the coding strand, the complement: PIGZ is on the minus strand). VCF-style: chr3-196947493-G-A. GRCh37 (hg19) VCF-style: chr3-196674364-G-A.
Identifiers: ClinVar variation 2654513 (VCV002654513.24), dbSNP rs147586057, ClinGen allele CA2783688.